The following is an entry in ClinVar:

NM_020433.5(JPH2):c.438C>A (p.Ser146Arg)

Gene: JPH2 (junctophilin 2; minus strand). Cytogenetic location: 20q13.12.
Variant type: single nucleotide variant.
Coding change: c.438C>A on transcript NM_020433.5 (MANE Select); coding-DNA position 438, C replaced by A.
Protein change: p.Ser146Arg; replaces serine 146 with arginine.
Molecular consequence: missense variant.
Genome position (GRCh38, 1-based): chr20:44,160,349, G>T on the plus strand (C>A on the coding strand, the complement: JPH2 is on the minus strand). VCF-style: chr20-44160349-G-T. GRCh37 (hg19) VCF-style: chr20-42788989-G-T.
Other names: short protein forms S146R.
Identifiers: ClinVar variation 978373 (VCV000978373.4), dbSNP rs762464432, ClinGen allele CA9868840.
Genomic context (GRCh38, chr20:44,160,349, plus strand): 5'-CAGGGACGACAGCGACGTGCGCAGCGGCGAGCGCACCACCACGGCCATCCCGTAGGGCAC[G>T]CTCTGGCGTACTCCGTAGCCATGGCGCATGCCGTTGGTGAACTGGCCTTGGTACGTCCCT-3'
Protein context (NP_065166.2, residues 136-156): GMRHGYGVRQ[Ser146Arg]VPYGMAVVVR

ClinVar aggregate classification (germline): Uncertain significance. Review status: criteria provided, multiple submitters, no conflicts (2 of 4 stars). 2 submissions from 2 submitters: Uncertain significance (2). Last evaluated 2026-03-27.

Conditions:
Cardiovascular phenotype. Identifiers: MedGen CN230736.

Allele frequency attached by ClinVar (database versions not stated): ExAC below 0.00001; gnomAD exomes below 0.00001; TOPMed 0.00001.
gnomAD v4.1: 3 of 1,593,998 alleles (0.00019%); highest among the groups gnomAD compares: Non-Finnish European, 0.00017%; no homozygotes.

Submissions (2):

Molecular Diagnostic Laboratory for Inherited Cardiovascular Disease, Montreal Heart Institute
Classification: Uncertain significance for Cardiovascular phenotype. Last evaluated: 2026-03-27. Review status: criteria provided, single submitter. Criteria: ACMG Guidelines, 2015. Collection method: clinical testing. Allele origin: germline. Affected: yes.
Comment: PM2

Women's Health and Genetics/Laboratory Corporation of America, LabCorp
Classification: Uncertain significance. Last evaluated: 2024-08-08. Review status: criteria provided, single submitter. Criteria: LabCorp Variant Classification Summary - May 2015. Collection method: clinical testing. Allele origin: germline.
Comment: Variant summary: JPH2 c.438C>A (p.Ser146Arg) results in a non-conservative amino acid change in the encoded protein sequence. Four of five in-silico tools predict a damaging effect of the variant on protein function. The variant allele was found at a frequency of 4.7e-06 in 212158 control chromosomes. The available data on variant occurrences in the general population are insufficient to allow any conclusion about variant significance. To our knowledge, no occurrence of c.438C>A in individuals affected with Cardiomyopathy and no experimental evidence demonstrating its impact on protein function have been reported. ClinVar contains an entry for this variant (Variation ID: 978373). Based on the evidence outlined above, the variant was classified as uncertain significance.